The following is an entry in ClinVar:

NM_001100.4(ACTA1):c.181C>T (p.Gln61Ter)

Gene: ACTA1 (actin alpha 1, skeletal muscle; minus strand). Cytogenetic location: 1q42.13.
Variant type: single nucleotide variant.
Coding change: c.181C>T on transcript NM_001100.4 (MANE Select); coding-DNA position 181, C replaced by T.
Protein change: p.Gln61Ter; replaces glutamine 61 with a stop codon.
Molecular consequence: nonsense.
Genome position (GRCh38, 1-based): chr1:229,432,829, G>A on the plus strand (C>T on the coding strand, the complement: ACTA1 is on the minus strand). VCF-style: chr1-229432829-G-A. GRCh37 (hg19) VCF-style: chr1-229568576-G-A.
Other names: short protein forms Q61*.
Identifiers: ClinVar variation 1074947 (VCV001074947.7), dbSNP rs2102736408, ClinGen allele CA345150833.

ClinVar aggregate classification (germline): Pathogenic (1 of 4 stars; one submission).

Conditions:
Actin accumulation myopathy (CMYO2A). Also called: CONGENITAL MYOPATHY 2A, TYPICAL, AUTOSOMAL DOMINANT; Nemaline myopathy type 3; Myopathy, actin, congenital, with excess of thin myofilaments; Myopathy, actin, congenital, with cores; Nemaline myopathy 3, with intranuclear rods. Identifiers: Orphanet 98904, MedGen C3711389, MONDO:0008070, OMIM 161800.

Allele frequency attached by ClinVar (database versions not stated): gnomAD exomes below 0.00001.

Submission:

Labcorp Genetics (formerly Invitae), Labcorp
Classification: Pathogenic for Actin accumulation myopathy. Last evaluated: 2018-02-22. Review status: criteria provided, single submitter. Criteria: Invitae Variant Classification Sherloc (09022015). Collection method: clinical testing. Allele origin: germline.
Comment: For these reasons, this variant has been classified as Pathogenic. Loss-of-function variants in ACTA1 are known to be pathogenic (PMID: 19562689). This variant has not been reported in the literature in individuals with ACTA1-related disease. This variant is not present in population databases (ExAC no frequency). This sequence change creates a premature translational stop signal (p.Gln61*) in the ACTA1 gene. It is expected to result in an absent or disrupted protein product.

Literature cited by the submitters: PubMed 19562689.